The following continues an entry in ClinVar:

NM_000256.3(MYBPC3):c.529C>T (p.Arg177Cys)

Gene: MYBPC3. ClinVar aggregate classification (germline): Conflicting classifications of pathogenicity. Uncertain significance (14); Likely benign (2).

Submissions 9 to 21 of 21:

Women's Health and Genetics/Laboratory Corporation of America, LabCorp
Classification: Likely benign. Last evaluated: 2023-04-11. Review status: criteria provided, single submitter. Criteria: LabCorp Variant Classification Summary - May 2015. Collection method: clinical testing. Allele origin: germline.
Comment: Variant summary: MYBPC3 c.529C>T (p.Arg177Cys) results in a non-conservative amino acid change located in the Immunoglobulin subtype domain (IPR003599) of the encoded protein sequence. Four of five in-silico tools predict a damaging effect of the variant on protein function. The variant allele was found at a frequency of 6.8e-05 in 233730 control chromosomes in gnomAD. This frequency is not significantly higher than estimated for a pathogenic variant in MYBPC3 causing Hypertrophic Cardiomyopathy (6.8e-05 vs 0.001), allowing no conclusion about variant significance. However, another variant at the same residue (p.Arg177His) is present at allele frequency of 1.3% in African subpopulation in gnomAD, strongly suggesting it to be a likely benign polymorphism, thus the residue p.Arg177 may not be critical for protein function. c.529C>T has been reported in the literature in individuals affected with Hypertrophic Cardiomyopathy or Dilated Cardiomyopathy (example: Kindel_2012, Wells_2011, Waning_2018, Alijeaid_2019, Verdonschot_2020, Bursetein_2021, Suay-Corredara_2021). These data do not allow any conclusion about variant significance. Co-occurrences with other pathogenic variants have been reported in our internal data or publications (MYPBC3 c.3811C>T, p.R1271*; MYPBC3 c.1235_1236delTT, p.Ile411_Phe412insTer; RAF1 c.769T>C, p.Ser257Pro) (Kindel_2012, Alijeaid_2019), providing supporting evidence for a benign role. Nine clinical diagnostic laboratories have submitted clinical-significance assessments for this variant to ClinVar after 2014 and all classified the variant as uncertain significance. Based on the evidence outlined above, the variant was classified as likely benign.

CHEO Genetics Diagnostic Laboratory, Children's Hospital of Eastern Ontario
Classification: Uncertain significance for Cardiomyopathy. Last evaluated: 2023-03-17. Review status: criteria provided, single submitter. Criteria: ACMG Guidelines, 2015. Collection method: clinical testing. Allele origin: germline.

Ambry Genetics
Classification: Uncertain significance for Cardiovascular phenotype. Last evaluated: 2022-03-04. Review status: criteria provided, single submitter. Criteria: Ambry Variant Classification Scheme 2023. Collection method: clinical testing. Allele origin: germline.

Laboratory for Molecular Medicine, Mass General Brigham Personalized Medicine
Classification: Uncertain significance. Last evaluated: 2018-07-16. Review status: criteria provided, single submitter. Criteria: LMM Criteria. Collection method: clinical testing. Allele origin: germline. Observed: 7 variant alleles.
Comment: Variant classified as Uncertain Significance - Favor Benign. In 1 family with DCM this v ariant was found to segregate with disease in 2/3 affected family members. The A rg177Cys variant has been identified in 1/8398 European American chromosomes by the NHLBI Exome Sequencing Project (dbSNP rs19 3922385). Arginine (Arg) at position 177 not well conserved in mammals or evolut ionarily distant species and the change to cysteine (Cys) was predicted to be be nign using a computational tool clinically validated by our laboratory. This too l's benign prediction is estimated to be correct 89% of the time (Jordan 2011). In addition, another change at the same position (Arg177His) is present in 1% of the general population (42/4088 African American chromosomes, NHLBI Exome Seque ncing Project), suggesting that changes at this position may not affect the prot ein. In summary, while these data argue against a disease-causing role when pres ent in isolation, a modifying effect cannot be ruled out and additional studies are needed to fully establish the clinical significance of this variant.

Stanford Center for Inherited Cardiovascular Disease, Stanford University
Classification: Uncertain significance. Last evaluated: 2017-10-24. Review status: criteria provided, single submitter. Criteria: ACMG Guidelines, 2015. Collection method: provider interpretation. Allele origin: germline.

Phosphorus, Inc.
Classification: Uncertain significance for Left ventricular noncompaction 10. Last evaluated: 2017-08-01. Review status: criteria provided, single submitter. Criteria: ACMG Guidelines, 2015. Collection method: clinical testing. Allele origin: germline. Observed: 4 variant alleles.

Phosphorus, Inc.
Classification: Uncertain significance for Hypertrophic cardiomyopathy 4. Last evaluated: 2017-08-01. Review status: criteria provided, single submitter. Criteria: ACMG Guidelines, 2015. Collection method: clinical testing. Allele origin: germline. Observed: 2 variant alleles.

Clinical Genetics DNA and cytogenetics Diagnostics Lab, Erasmus MC, Erasmus Medical Center
Classification: Uncertain significance for Hypertrophic cardiomyopathy 4. Last evaluated: 2015-09-21. Review status: criteria provided, single submitter. Criteria: ACGS Guidelines, 2013. Collection method: clinical testing. Allele origin: germline. Affected: yes. Study: VKGL Data-share Consensus.

CSER _CC_NCGL, University of Washington
Classification: Uncertain significance for Cardiomyopathy, hypertrophic. Last evaluated: 2014-06-01. Review status: no assertion criteria provided. Collection method: research. Allele origin: germline. Inheritance: Autosomal dominant inheritance. Study: ESP 6500 variant annotation. Not counted in ClinVar's aggregate classification.
Comment: Variants classified for the Actionable exomic incidental findings in 6503 participants: challenges of variant classification manuscript

Clinical Genetics, Academic Medical Center
Classification: Uncertain significance. Review status: no assertion criteria provided. Collection method: clinical testing. Allele origin: germline. Affected: yes. Study: VKGL Data-share Consensus. Not counted in ClinVar's aggregate classification.

Diagnostic Laboratory, Department of Genetics, University Medical Center Groningen
Classification: Uncertain significance for Hypertrophic cardiomyopathy 4. Review status: no assertion criteria provided. Collection method: clinical testing. Allele origin: germline. Affected: yes. Study: VKGL Data-share Consensus. Not counted in ClinVar's aggregate classification.

Genome Diagnostics Laboratory, University Medical Center Utrecht
Classification: Uncertain significance. Review status: no assertion criteria provided. Collection method: clinical testing. Allele origin: germline. Affected: yes. Study: VKGL Data-share Consensus. Not counted in ClinVar's aggregate classification.

Joint Genome Diagnostic Labs from Nijmegen and Maastricht, Radboudumc and MUMC+
Classification: Uncertain significance. Review status: no assertion criteria provided. Collection method: clinical testing. Allele origin: germline. Affected: yes. Study: VKGL Data-share Consensus. Not counted in ClinVar's aggregate classification.

Literature cited by the submitters: PubMed 22555271 (cited by 6 submitters); PubMed 24062880 (cited by 6 submitters); PubMed 27532257 (cited by 4 submitters); PubMed 30762279 (cited by 5 submitters); PubMed 32746448 (cited by 5 submitters); PubMed 32880476 (cited by 5 submitters); PubMed 33782553 (cited by Labcorp Genetics (formerly Invitae), Labcorp and Mayo Clinic Laboratories, Mayo Clinic); PubMed 36178741 (cited by 4 submitters); PubMed 21415409 (cited by 3 submitters); PubMed 23299917 (cited by Mayo Clinic Laboratories, Mayo Clinic and Women's Health and Genetics/Laboratory Corporation of America, LabCorp); PubMed 25637381 (cited by 3 submitters); PubMed 28518168 (cited by Mayo Clinic Laboratories, Mayo Clinic and Women's Health and Genetics/Laboratory Corporation of America, LabCorp); PubMed 37652022 (cited by Mayo Clinic Laboratories, Mayo Clinic); PubMed 37937776 (cited by Mayo Clinic Laboratories, Mayo Clinic); PubMed 40225148 (cited by Mayo Clinic Laboratories, Mayo Clinic); PubMed 24503780 (cited by 3 submitters); PubMed 29447731 (cited by 3 submitters); PubMed 34097875 (cited by Women's Health and Genetics/Laboratory Corporation of America, LabCorp); PubMed 23054336 (cited by Phosphorus, Inc.).